The following is an entry in ClinVar:

ClinVar aggregate classification (germline): Uncertain significance (1 of 4 stars; one submission).

Conditions:
Progressive myoclonic epilepsy. Also called: Familial progressive myoclonic epilepsy; Myoclonus epilepsy; Progressive myoclonus epilepsy; Myoclonic Epilepsies, Progressive. Identifiers: Orphanet 308, Orphanet 98261, MedGen C0751778, MONDO:0020074.

Allele frequency attached by ClinVar (database versions not stated): gnomAD exomes below 0.00001; ExAC 0.00001.
gnomAD v4.1: 1 of 1,614,052 alleles (0.000062%); highest among the groups gnomAD compares: Admixed American, 0.0017%; no homozygotes.

Submission:

Labcorp Genetics (formerly Invitae), Labcorp
Classification: Uncertain significance for Progressive myoclonic epilepsy. Last evaluated: 2020-10-21. Review status: criteria provided, single submitter. Criteria: Invitae Variant Classification Sherloc (09022015). Collection method: clinical testing. Allele origin: germline.
Comment: This sequence change replaces tyrosine with cysteine at codon 278 of the SCARB2 protein (p.Tyr278Cys). The tyrosine residue is moderately conserved and there is a large physicochemical difference between tyrosine and cysteine. This variant is present in population databases (rs774730087, ExAC 0.002%). This variant has not been reported in the literature in individuals with SCARB2-related conditions. Algorithms developed to predict the effect of missense changes on protein structure and function are either unavailable or do not agree on the potential impact of this missense change (SIFT: "Tolerated"; PolyPhen-2: "Probably Damaging"; Align-GVGD: "Class C15"). In summary, the available evidence is currently insufficient to determine the role of this variant in disease. Therefore, it has been classified as a Variant of Uncertain Significance.

NM_005506.4(SCARB2):c.833A>G (p.Tyr278Cys)

Gene: SCARB2 (scavenger receptor class B member 2; minus strand). Cytogenetic location: 4q21.1.
Variant type: single nucleotide variant.
Coding change: c.833A>G on transcript NM_005506.4 (MANE Select); coding-DNA position 833, A replaced by G.
Protein change: p.Tyr278Cys; replaces tyrosine 278 with cysteine.
Molecular consequence: missense variant.
Genome position (GRCh38, 1-based): chr4:76,174,305, T>C on the plus strand (A>G on the coding strand, the complement: SCARB2 is on the minus strand). VCF-style: chr4-76174305-T-C. GRCh37 (hg19) VCF-style: chr4-77095458-T-C.
Other names: c.404A>G, p.Tyr135Cys (NM_001204255.2); short protein forms Y135C, Y278C.
Identifiers: ClinVar variation 1060692 (VCV001060692.8), dbSNP rs774730087, ClinGen allele CA2970242.